The following is an entry in ClinVar:

NM_004370.6(COL12A1):c.1601G>A (p.Ser534Asn)

Gene: COL12A1 (collagen type XII alpha 1 chain; minus strand). Cytogenetic location: 6q13.
Variant type: single nucleotide variant.
Coding change: c.1601G>A on transcript NM_004370.6 (MANE Select); coding-DNA position 1601, G replaced by A.
Protein change: p.Ser534Asn; replaces serine 534 with asparagine.
Molecular consequence: missense variant. On other transcripts: intron variant (1).
Genome position (GRCh38, 1-based): chr6:75,183,340, C>T on the plus strand (G>A on the coding strand, the complement: COL12A1 is on the minus strand). VCF-style: chr6-75183340-C-T. GRCh37 (hg19) VCF-style: chr6-75893056-C-T.
Other names: c.73+19380G>A (NM_080645.3); short protein forms S534N.
Identifiers: ClinVar variation 1494891 (VCV001494891.8), dbSNP rs2149465941, ClinGen allele CA364769491.
Genomic context (GRCh38, chr6:75,183,340, plus strand): 5'-GATGATTTCCCATCCGTGATAAGAATCATGACCTTTGGCACATTGCTTCTTGATCCCTTG[C>T]TAGGCACAAATATTTTCTCTCTGACATAAGTCATTGCTTTGCCAGTATTTGTAGATCCTC-3'
Protein context (NP_004361.3, residues 524-544): TYVREKIFVP[Ser534Asn]KGSRSNVPKV

ClinVar aggregate classification (germline): Uncertain significance (1 of 4 stars; one submission).

Conditions:
Ullrich congenital muscular dystrophy 2 (UCMD2). Identifiers: Orphanet 75840, MedGen C4225314, MONDO:0014654, OMIM 616470.
Bethlem myopathy 2 (BTHLM2). Identifiers: Orphanet 536516, Orphanet 610, MedGen C4225313, MONDO:0034022, OMIM 616471.

Submission:

Labcorp Genetics (formerly Invitae), Labcorp
Classification: Uncertain significance for Bethlem myopathy 2; Ullrich congenital muscular dystrophy 2. Last evaluated: 2021-05-30. Review status: criteria provided, single submitter. Criteria: Invitae Variant Classification Sherloc (09022015). Collection method: clinical testing. Allele origin: germline.
Comment: This variant has not been reported in the literature in individuals with COL12A1-related conditions. In summary, the available evidence is currently insufficient to determine the role of this variant in disease. Therefore, it has been classified as a Variant of Uncertain Significance. Algorithms developed to predict the effect of missense changes on protein structure and function output the following: SIFT: "Tolerated"; PolyPhen-2: "Benign"; Align-GVGD: "Class C0". The asparagine amino acid residue is found in multiple mammalian species, suggesting that this missense change does not adversely affect protein function. These predictions have not been confirmed by published functional studies and their clinical significance is uncertain. This variant is not present in population databases (ExAC no frequency). This sequence change replaces serine with asparagine at codon 534 of the COL12A1 protein (p.Ser534Asn). The serine residue is moderately conserved and there is a small physicochemical difference between serine and asparagine.